The following is an entry in ClinVar:

NM_001364905.1(LRBA):c.2400A>G (p.Ile800Met)

Gene: LRBA (LPS responsive beige-like anchor protein; minus strand). Cytogenetic location: 4q31.3.
Variant type: single nucleotide variant.
Coding change: c.2400A>G on transcript NM_001364905.1 (MANE Select); coding-DNA position 2400, A replaced by G.
Protein change: p.Ile800Met; replaces isoleucine 800 with methionine.
Molecular consequence: missense variant.
Genome position (GRCh38, 1-based): chr4:150,870,574, T>C on the plus strand (A>G on the coding strand, the complement: LRBA is on the minus strand). VCF-style: chr4-150870574-T-C. GRCh37 (hg19) VCF-style: chr4-151791726-T-C.
Other names: c.2400A>G, p.Ile800Met (NM_001199282.3, NM_001367550.1, NM_006726.5); short protein forms I800M.
Identifiers: ClinVar variation 1491441 (VCV001491441.3), dbSNP rs199977486, ClinGen allele CA3103264.

ClinVar aggregate classification (germline): Uncertain significance (1 of 4 stars; one submission).

Conditions:
Combined immunodeficiency due to LRBA deficiency. Also called: Common variable immunodeficiency 8, with autoimmunity. Identifiers: Orphanet 445018, MedGen C3553512, MONDO:0013863, OMIM 614700.

Allele frequency attached by ClinVar (database versions not stated): gnomAD exomes below 0.00001 and 0.00002; ExAC 0.00002; TOPMed 0.00003; gnomAD 0.00004 and 0.00005.
gnomAD v4.1: 9 of 1,589,524 alleles (0.00057%); highest among the groups gnomAD compares: African/African-American, 0.0081%; no homozygotes.

Submission:

Labcorp Genetics (formerly Invitae), Labcorp
Classification: Uncertain significance for Combined immunodeficiency due to LRBA deficiency. Last evaluated: 2021-10-22. Review status: criteria provided, single submitter. Criteria: Invitae Variant Classification Sherloc (09022015). Collection method: clinical testing. Allele origin: germline.
Comment: This sequence change replaces isoleucine with methionine at codon 800 of the LRBA protein (p.Ile800Met). The isoleucine residue is weakly conserved and there is a small physicochemical difference between isoleucine and methionine. This variant is present in population databases (rs199977486, ExAC 0.02%). This variant has not been reported in the literature in individuals affected with LRBA-related conditions. Algorithms developed to predict the effect of missense changes on protein structure and function are either unavailable or do not agree on the potential impact of this missense change (SIFT: "Tolerated"; PolyPhen-2: "Possibly Damaging"; Align-GVGD: "Class C0"). In summary, the available evidence is currently insufficient to determine the role of this variant in disease. Therefore, it has been classified as a Variant of Uncertain Significance.